The following is an entry in ClinVar:

ClinVar aggregate classification (germline): Pathogenic. Review status: criteria provided, multiple submitters, no conflicts (2 of 4 stars). 7 submissions from 7 submitters: Pathogenic (4). 3 of the submissions do not count toward it. Last evaluated 2024-09-23.

Conditions:
PINK1-related disorder. Also called: PINK1-related condition.
Autosomal recessive early-onset Parkinson disease 6 (PARK6). Also called: PARKINSON DISEASE 6, EARLY-ONSET; PARKINSON DISEASE 6, MODIFIER OF; PINK1-Related Parkinson Disease; PINK1 Type of Young-Onset Parkinson Disease. Identifiers: Orphanet 2828, MedGen C1853833, MONDO:0011613, OMIM 605909.

Allele frequency attached by ClinVar (database versions not stated): ExAC 0.00002; gnomAD 0.00004 and 0.00005; gnomAD exomes 0.00004; TOPMed 0.00006; 1000 Genomes Project 30x 0.00016; 1000 Genomes Project 0.00020.

Submissions (7):

Labcorp Genetics (formerly Invitae), Labcorp
Classification: Pathogenic for Autosomal recessive early-onset Parkinson disease 6. Last evaluated: 2024-09-23. Review status: criteria provided, single submitter. Criteria: Invitae Variant Classification Sherloc (09022015). Collection method: clinical testing. Allele origin: germline.
Comment: This sequence change creates a premature translational stop signal (p.Gln456*) in the PINK1 gene. It is expected to result in an absent or disrupted protein product. Loss-of-function variants in PINK1 are known to be pathogenic (PMID: 15087508, 15349870). This variant is present in population databases (rs45539432, gnomAD 0.008%). This premature translational stop signal has been observed in individual(s) with early-onset Parkinson disease (PMID: 16769864, 18685134, 28502045). It has also been observed to segregate with disease in related individuals. ClinVar contains an entry for this variant (Variation ID: 2415). For these reasons, this variant has been classified as Pathogenic.

GeneDx
Classification: Pathogenic. Last evaluated: 2024-09-04. Review status: criteria provided, single submitter. Criteria: GeneDx Variant Classification Process June 2021. Collection method: clinical testing. Allele origin: germline. Affected: yes.
Comment: Nonsense variant predicted to result in protein truncation or nonsense mediated decay in a gene for which loss of function is a known mechanism of disease; Not observed at significant frequency in large population cohorts (gnomAD); This variant is associated with the following publications: (PMID: 21508222, 25226871, 21700325, 19500570, 20508036, 21408140, 22043288, 25525159, 16009891, 17219214, 18685134, 23251494, 29331938, 33845304, 31589614, 32557143, 33045815, 31345219, 28716427, 37750340, 37256495, 16769864)

Fulgent Genetics
Classification: Pathogenic for Autosomal recessive early-onset Parkinson disease 6. Last evaluated: 2024-03-13. Review status: criteria provided, single submitter. Criteria: ACMG Guidelines, 2015. Collection method: clinical testing. Allele origin: germline.

Mayo Clinic Laboratories, Mayo Clinic
Classification: Pathogenic. Last evaluated: 2023-06-28. Review status: criteria provided, single submitter. Criteria: ACMG Guidelines, 2015. Collection method: clinical testing. Allele origin: germline. Observed: 1 variant allele.
Comment: PM2_moderate, PM3, PVS1

PreventionGenetics, part of Exact Sciences
Classification: Pathogenic for PINK1-related condition. Last evaluated: 2024-04-08. Review status: no assertion criteria provided. Collection method: clinical testing. Allele origin: germline. Not counted in ClinVar's aggregate classification.
Comment: The PINK1 c.1366C>T variant is predicted to result in premature protein termination (p.Gln456*). This variant has been reported in the homozygous state and to a lesser extent in the heterozygous state in several individuals with early-onset Parkinson disease (Bonifati et al. 2005. PubMed ID: 16009891; Grünewald et al. 2009. PubMed ID: 19500570; Siuda et al. 2014. PubMed ID: 25226871; Lesage et al. 2020. PubMed ID: 33045815; Milanowski et al. 2021. PubMed ID: 33845304). In vitro functional studies in patient fibroblast cells demonstrate that expression of this variant resulted in a significant decrease in cellular ATP levels compared to controls but no observable difference in ATP synthesis or effect on the enzyme activity of the respiratory chain (Grünewald et al. 2009. PubMed ID: 19500570). This variant is reported in 0.0078% of alleles in individuals of European (non-Finnish) descent in gnomAD. Nonsense variants in PINK1 are expected to be pathogenic. This variant is interpreted as pathogenic.

OMIM
Classification: Pathogenic for PARKINSON DISEASE 6, AUTOSOMAL RECESSIVE EARLY-ONSET. Last evaluated: 2008-09-16. Review status: no assertion criteria provided. Collection method: literature only. Allele origin: germline. Not counted in ClinVar's aggregate classification.

GeneReviews
No classification provided. Condition: Autosomal recessive early-onset Parkinson disease 6. Review status: no classification provided. Collection method: literature only. Allele origin: germline. Not counted in ClinVar's aggregate classification.

Literature cited by the submitters: PubMed 15087508 (cited by Labcorp Genetics (formerly Invitae), Labcorp); PubMed 15349870 (cited by Labcorp Genetics (formerly Invitae), Labcorp); PubMed 16769864 (cited by 3 submitters); PubMed 18685134 (cited by Labcorp Genetics (formerly Invitae), Labcorp and OMIM); PubMed 28502045 (cited by Labcorp Genetics (formerly Invitae), Labcorp); PubMed 16009891 (cited by Mayo Clinic Laboratories, Mayo Clinic); PubMed 19500570 (cited by Mayo Clinic Laboratories, Mayo Clinic); PubMed 21700325 (cited by Mayo Clinic Laboratories, Mayo Clinic); PubMed 25226871 (cited by Mayo Clinic Laboratories, Mayo Clinic); PubMed 29331938 (cited by Mayo Clinic Laboratories, Mayo Clinic); PubMed 33045815 (cited by Mayo Clinic Laboratories, Mayo Clinic).

NM_032409.3(PINK1):c.1366C>T (p.Gln456Ter)

Genes: PINK1 (PTEN induced kinase 1; plus strand), PINK1-AS (PINK1 antisense RNA; minus strand). Cytogenetic location: 1p36.12.
Variant type: single nucleotide variant.
Coding change: c.1366C>T on transcript NM_032409.3 (MANE Select); coding-DNA position 1366, C replaced by T.
Protein change: p.Gln456Ter; replaces glutamine 456 with a stop codon.
Molecular consequence: nonsense. On other transcripts: non-coding transcript variant (1).
Genome position (GRCh38, 1-based): chr1:20,649,109, C>T. VCF-style: chr1-20649109-C-T. GRCh37 (hg19) VCF-style: chr1-20975602-C-T.
Other names: p.Gln456*; short protein forms Q456*.
Identifiers: ClinVar variation 2415 (VCV000002415.14), dbSNP rs45539432, ClinGen allele CA252278.